The following is an entry in ClinVar:

ClinVar aggregate classification (germline): Uncertain significance (1 of 4 stars; one submission).

Conditions:
Familial intrahepatic cholestasis. Identifiers: Orphanet 284385, MedGen CN296401, MONDO:0017290.

Submission:

Genomenon, Inc
Classification: Uncertain significance for Familial intrahepatic cholestasis. Last evaluated: 2026-04-14. Review status: criteria provided, single submitter. Criteria: Genomenon Sequence Variant Interpretation Standards - Updated. Collection method: curation. Allele origin: germline. Affected: yes.
Comment: ABCB4 p.Gly319Val (c.956G>T) is a missense variant that changes the amino acid at residue 319 from Glycine to Valine. This variant has been observed in at least one proband with an ABCB4-related disorder (PMID:38610052). It is absent or not present at a significant frequency in gnomAD. In silico models predict that this variant is possibly or probably damaging. In conclusion, we classify ABCB4 p.Gly319Val (c.956G>T) as a variant of uncertain significance.

Literature cited by the submitters: PubMed 38610052.

NM_000443.4(ABCB4):c.956G>T (p.Gly319Val)

Gene: ABCB4 (ATP binding cassette subfamily B member 4; minus strand). Cytogenetic location: 7q21.12.
Variant type: single nucleotide variant.
Coding change: c.956G>T on transcript NM_000443.4 (MANE Select); coding-DNA position 956, G replaced by T.
Protein change: p.Gly319Val; replaces glycine 319 with valine.
Molecular consequence: missense variant.
Genome position (GRCh38, 1-based): chr7:87,447,083, C>A on the plus strand (G>T on the coding strand, the complement: ABCB4 is on the minus strand). VCF-style: chr7-87447083-C-A. GRCh37 (hg19) VCF-style: chr7-87076399-C-A.
Other names: c.956G>T, p.Gly319Val (NM_018849.3, NM_018850.3); short protein forms G319V.
Identifiers: ClinVar variation 4846467 (VCV004846467.1).